The following is an entry in ClinVar:

ClinVar aggregate classification (germline): Uncertain significance. Review status: criteria provided, multiple submitters, no conflicts (2 of 4 stars). 2 submissions from 2 submitters: Uncertain significance (2). Last evaluated 2025-04-11.

Conditions:
Hereditary cancer-predisposing syndrome. Also called: Hereditary neoplastic syndrome; Neoplastic Syndromes, Hereditary; Tumor predisposition; Hereditary Cancer Syndrome. Identifiers: Orphanet 140162, MedGen C0027672, MeSH D009386, MONDO:0015356.
Fanconi anemia complementation group J. Also called: BRIP1-Related Fanconi Anemia. Identifiers: Orphanet 84, MedGen C1836860, MONDO:0012187, OMIM 609054.
Familial cancer of breast. Also called: BREAST CANCER, FAMILIAL; hereditary breast carcinoma; Hereditary breast cancer. Identifiers: Orphanet 227535, MedGen C0346153, MONDO:0016419, OMIM 114480. Disease mechanism: loss of function.

Allele frequency attached by ClinVar (database versions not stated): gnomAD exomes below 0.00001.
gnomAD v4.1: 2 of 1,613,910 alleles (0.00012%); highest among the groups gnomAD compares: Non-Finnish European, 0.00017%; no homozygotes.

Submissions (2):

Ambry Genetics
Classification: Uncertain significance for Hereditary cancer-predisposing syndrome. Last evaluated: 2025-04-11. Review status: criteria provided, single submitter. Criteria: Ambry Variant Classification Scheme 2023. Collection method: clinical testing. Allele origin: germline.
Comment: The c.2258-5T>G intronic variant results from a T to G substitution 5 nucleotides upstream from coding exon 15 in the BRIP1 gene. This nucleotide position is well conserved in available vertebrate species. In silico splice site analysis predicts that this alteration will weaken the native splice acceptor site, however, direct evidence is insufficient at this time (Ambry internal data). Since supporting evidence is limited at this time, the clinical significance of this alteration remains unclear.

Labcorp Genetics (formerly Invitae), Labcorp
Classification: Uncertain significance for Familial cancer of breast; Fanconi anemia complementation group J. Last evaluated: 2024-11-02. Review status: criteria provided, single submitter. Criteria: Invitae Variant Classification Sherloc (09022015). Collection method: clinical testing. Allele origin: germline.
Comment: This sequence change falls in intron 15 of the BRIP1 gene. It does not directly change the encoded amino acid sequence of the BRIP1 protein. This variant is not present in population databases (gnomAD no frequency). This variant has not been reported in the literature in individuals affected with BRIP1-related conditions. ClinVar contains an entry for this variant (Variation ID: 461099). Algorithms developed to predict the effect of sequence changes on RNA splicing suggest that this variant may disrupt the consensus splice site. In summary, the available evidence is currently insufficient to determine the role of this variant in disease. Therefore, it has been classified as a Variant of Uncertain Significance.

NM_032043.3(BRIP1):c.2258-5T>G

Gene: BRIP1 (BRCA1 interacting DNA helicase 1; minus strand). Cytogenetic location: 17q23.2.
Variant type: single nucleotide variant.
Coding change: c.2258-5T>G on transcript NM_032043.3 (MANE Select); 5 bases into the intron before coding-DNA position 2258, T replaced by G.
Molecular consequence: intron variant.
Genome position (GRCh38, 1-based): chr17:61,743,139, A>C on the plus strand (T>G on the coding strand, the complement: BRIP1 is on the minus strand). VCF-style: chr17-61743139-A-C. GRCh37 (hg19) VCF-style: chr17-59820500-A-C.
Identifiers: ClinVar variation 461099 (VCV000461099.13), dbSNP rs1555590588, ClinGen allele CA658658663.